The following is an entry in ClinVar:

ClinVar aggregate classification (germline): Uncertain significance (1 of 4 stars; one submission).

Conditions:
Inborn genetic diseases. Identifiers: MedGen C0950123, MeSH D030342.

gnomAD v4.1: 1 of 1,613,222 alleles (0.000062%); highest among the groups gnomAD compares: Non-Finnish European, 0.000085%; no homozygotes.

Submission:

Ambry Genetics
Classification: Uncertain significance for Inborn genetic diseases. Last evaluated: 2025-07-12. Review status: criteria provided, single submitter. Criteria: Ambry Variant Classification Scheme 2023. Collection method: clinical testing. Allele origin: germline.
Comment: The p.S447G variant (also known as c.1339A>G), located in coding exon 8 of the ERCC6L2 gene, results from an A to G substitution at nucleotide position 1339. The serine at codon 447 is replaced by glycine, an amino acid with similar properties. This amino acid position is conserved. In addition, the in silico prediction for this alteration is inconclusive. Based on the available evidence, the clinical significance of this variant remains unclear.

NM_020207.7(ERCC6L2):c.1339A>G (p.Ser447Gly)

Gene: ERCC6L2 (ERCC excision repair 6 like 2; plus strand). Cytogenetic location: 9q22.32.
Variant type: single nucleotide variant.
Coding change: c.1339A>G on transcript NM_020207.7 (MANE Select); coding-DNA position 1339, A replaced by G.
Protein change: p.Ser447Gly; replaces serine 447 with glycine.
Molecular consequence: missense variant. On other transcripts: non-coding transcript variant (1).
Genome position (GRCh38, 1-based): chr9:95,922,344, A>G. VCF-style: chr9-95922344-A-G. GRCh37 (hg19) VCF-style: chr9-98684626-A-G.
Other names: c.1339A>G, p.Ser447Gly (NM_001010895.4, NM_001375291.1, NM_001375292.1 and 2 more transcripts); short protein forms S447G.
Identifiers: ClinVar variation 4250576 (VCV004250576.1).